The following is an entry in ClinVar:

ClinVar aggregate classification (germline): Conflicting classifications of pathogenicity. Review status: criteria provided, conflicting classifications (1 of 4 stars). 11 submissions from 10 submitters: Uncertain significance (1); Benign (7); Likely benign (3). Last evaluated 2026-03-01.

Conditions:
Inborn genetic diseases. Identifiers: MedGen C0950123, MeSH D030342.
Autosomal recessive nonsyndromic hearing loss 37. Identifiers: Orphanet 90636, MedGen C1843028, MONDO:0011912, OMIM 607821.
Autosomal dominant nonsyndromic hearing loss 22. Also called: DFNA 22; Autosomal dominant nonsyndromic deafness 22. Identifiers: Orphanet 228012, MedGen C2931767, MONDO:0011660, OMIM 606346.

Allele frequency attached by ClinVar (database versions not stated): 1000 Genomes Project 0.00359; 1000 Genomes Project 30x 0.00422; TOPMed 0.00463; gnomAD 0.00484 and 0.00487; ExAC 0.00516; gnomAD exomes 0.00526 and 0.00690; ESP Exome Variant Server 0.00615.
gnomAD v4.1: 10,768 of 1,613,928 alleles (0.67%); highest among the groups gnomAD compares: Middle Eastern, 1.4%; 55 homozygotes.

Submissions (11):

CeGaT Center for Human Genetics Tuebingen
Classification: Likely benign. Last evaluated: 2026-03-01. Review status: criteria provided, single submitter. Criteria: CeGaT Center For Human Genetics Tuebingen Variant Classification Criteria Version 2. Collection method: clinical testing. Allele origin: germline. Affected: yes. Observed: 9 variant alleles.
Comment: MYO6: BP4, BP7, BS2

Labcorp Genetics (formerly Invitae), Labcorp
Classification: Benign. Last evaluated: 2026-01-20. Review status: criteria provided, single submitter. Criteria: Invitae Variant Classification Sherloc (09022015). Collection method: clinical testing. Allele origin: germline.

Blueprint Genetics
Classification: Likely benign. Last evaluated: 2024-11-21. Review status: criteria provided, single submitter. Criteria: ACMG Guidelines, 2015. Collection method: clinical testing. Allele origin: germline.

Ambry Genetics
Classification: Likely benign for Inborn genetic diseases. Last evaluated: 2023-05-31. Review status: criteria provided, single submitter. Criteria: Ambry Variant Classification Scheme 2023. Collection method: clinical testing. Allele origin: germline.

GeneDx
Classification: Benign. Last evaluated: 2019-07-25. Review status: criteria provided, single submitter. Criteria: GeneDx Variant Classification Process June 2021. Collection method: clinical testing. Allele origin: germline. Affected: yes.
Comment: This variant is associated with the following publications: (PMID: 11167014)

Athena Diagnostics
Classification: Benign. Last evaluated: 2019-07-17. Review status: criteria provided, single submitter. Criteria: Athena Diagnostics Criteria. Collection method: clinical testing. Allele origin: germline.

Illumina Laboratory Services, Illumina
Classification: Uncertain significance for Autosomal recessive nonsyndromic hearing loss 37. Last evaluated: 2018-01-13. Review status: criteria provided, single submitter. Criteria: ICSL Variant Classification Criteria 13 December 2019. Collection method: clinical testing. Allele origin: germline.

Illumina Laboratory Services, Illumina
Classification: Benign for Autosomal dominant nonsyndromic hearing loss 22. Last evaluated: 2018-01-13. Review status: criteria provided, single submitter. Criteria: ICSL Variant Classification Criteria 13 December 2019. Collection method: clinical testing. Allele origin: germline.
Comment: This variant was observed in the ICSL laboratory as part of a predisposition screen in an ostensibly healthy population. It had not been previously curated by ICSL or reported in the Human Gene Mutation Database (HGMD: prior to June 1st, 2018), and was therefore a candidate for classification through an automated scoring system. Utilizing variant allele frequency, disease prevalence and penetrance estimates, and inheritance mode, an automated score was calculated to assess if this variant is too frequent to cause the disease. Based on the score and internal cut-off values, a variant classified as benign is not then subjected to further curation. The score for this variant resulted in a classification of benign for this disease.

Eurofins Ntd Llc (ga)
Classification: Benign. Last evaluated: 2016-12-29. Review status: criteria provided, single submitter. Criteria: EGL Classification Definitions 2015. Collection method: clinical testing. Allele origin: germline. Observed: 1 variant allele, 1 heterozygote.

Laboratory for Molecular Medicine, Mass General Brigham Personalized Medicine
Classification: Benign. Last evaluated: 2012-03-16. Review status: criteria provided, single submitter. Criteria: LMM Criteria. Collection method: clinical testing. Allele origin: germline. Observed: 22 variant alleles.
Comment: Glu994Glu in exon 28 of MYO6: This variant is not expected to have clinical sign ificance because it does not alter an amino acid residue, is not located within the splice consensus sequence, has been identified in 0.8% (57/7020) of European American chromosomes and 0.16% (6/3738) of African American chromosomes in a br oad population by the NHLBI Exome sequencing project (du/EVS/ ; dbSNP rs55905349) and is reported as benign in one publication (Ahituv 2000).

PreventionGenetics, part of Exact Sciences
Classification: Benign. Review status: criteria provided, single submitter. Criteria: ACMG Guidelines, 2015. Collection method: clinical testing. Allele origin: germline.

Literature cited by the submitters: PubMed 11167014 (cited by Athena Diagnostics and Laboratory for Molecular Medicine, Mass General Brigham Personalized Medicine).

NM_004999.4(MYO6):c.2982G>A (p.Glu994=)

Gene: MYO6 (myosin VI; plus strand). Cytogenetic location: 6q14.1.
Variant type: single nucleotide variant.
Coding change: c.2982G>A on transcript NM_004999.4 (MANE Select); coding-DNA position 2982, G replaced by A.
Protein change: p.Glu994=; no amino-acid change (glutamic acid 994 retained).
Molecular consequence: synonymous variant. On other transcripts: non-coding transcript variant (1).
Genome position (GRCh38, 1-based): chr6:75,892,565, G>A. VCF-style: chr6-75892565-G-A. GRCh37 (hg19) VCF-style: chr6-76602282-G-A.
Other names: c.2982G>A, p.Glu994= (NM_001300899.2, NM_001368136.1, NM_001368137.1 and 2 more transcripts); c.2967G>A, p.Glu989= (NM_001368138.1).
Identifiers: ClinVar variation 45151 (VCV000045151.65), dbSNP rs55905349, ClinGen allele CA135620.